The following is an entry in ClinVar:

NM_001371986.1(UNC80):c.9879_9881del (p.Glu3293_Asn3294delinsAsp)

Gene: UNC80 (unc-80 homolog, NALCN channel complex subunit; plus strand). Cytogenetic location: 2q34.
Variant type: Deletion.
Coding change: c.9879_9881del on transcript NM_001371986.1 (MANE Select); coding-DNA positions 9879 to 9881, 3 bases deleted (AAA; older notation c.9879_9881delAAA).
Protein change: p.Glu3293_Asn3294delinsAsp.
Molecular consequence: inframe indel.
Genome position (GRCh38, 1-based): chr2:209,995,499-209,995,501, AAA deleted; deleting any 3 consecutive bases within chr2:209,995,498-209,995,501 gives the same sequence; the c. name uses the placement nearest the transcript's 3' end. VCF-style (leftmost placement, unchanged base first): chr2-209995497-GAAA-G. GRCh37 (hg19) VCF-style: chr2-210860221-GAAA-G.
Other names: c.9681_9683del, p.Glu3227_Asn3228delinsAsp (NM_032504.2); c.9609_9611del, p.Glu3203_Asn3204delinsAsp (NM_182587.4).
Identifiers: ClinVar variation 1946081 (VCV001946081.3), dbSNP rs1290092936, ClinGen allele CA431121353.
Genomic context (GRCh38, chr2:209,995,497, plus strand): 5'-ACAGGCCTCGAGACATCCAGCCTCCTACAGCATGGAGACACTGTCCTTCATATCAGTGAG[GAAA>G]ATGGCATGGAGAACCCGCTACTATCTAGTCAGTTCACCTTTACTCCCACTGAGCTGGGGA-3'

ClinVar aggregate classification (germline): Uncertain significance (1 of 4 stars; one submission).

Submission:

Labcorp Genetics (formerly Invitae), Labcorp
Classification: Uncertain significance. Last evaluated: 2022-11-28. Review status: criteria provided, single submitter. Criteria: Invitae Variant Classification Sherloc (09022015). Collection method: clinical testing. Allele origin: germline.
Comment: In summary, the available evidence is currently insufficient to determine the role of this variant in disease. Therefore, it has been classified as a Variant of Uncertain Significance. Experimental studies and prediction algorithms are not available or were not evaluated, and the functional significance of this variant is currently unknown. This variant has not been reported in the literature in individuals affected with UNC80-related conditions. This variant is present in population databases (no rsID available, gnomAD 0.01%). This variant, c.9681_9683del, is a complex sequence change that results in the deletion of 2 and insertion of 1 amino acid(s) in the UNC80 protein (p.Glu3227_Asn3228delinsAsp).